The following is an entry in ClinVar:

NM_004656.4(BAP1):c.2098C>T (p.Arg700Trp)

Gene: BAP1 (BRCA1 associated deubiquitinase 1; minus strand). Cytogenetic location: 3p21.1.
Variant type: single nucleotide variant.
Coding change: c.2098C>T on transcript NM_004656.4 (MANE Select); coding-DNA position 2098, C replaced by T.
Protein change: p.Arg700Trp; replaces arginine 700 with tryptophan.
Molecular consequence: missense variant.
Genome position (GRCh38, 1-based): chr3:52,402,380, G>A on the plus strand (C>T on the coding strand, the complement: BAP1 is on the minus strand). VCF-style: chr3-52402380-G-A. GRCh37 (hg19) VCF-style: chr3-52436396-G-A.
Other names: c.2044C>T, p.Arg682Trp (NM_001410772.1); short protein forms R682W, R700W.
Identifiers: ClinVar variation 2663464 (VCV002663464.17), dbSNP rs1284965361, ClinGen allele CA353094373.

ClinVar aggregate classification (germline): Uncertain significance. Review status: criteria provided, multiple submitters, no conflicts (2 of 4 stars). 7 submissions from 7 submitters: Uncertain significance (7). Last evaluated 2026-03-11.

Conditions:
Hereditary cancer-predisposing syndrome. Also called: Neoplastic Syndromes, Hereditary; Tumor predisposition; Hereditary Cancer Syndrome; Hereditary neoplastic syndrome. Identifiers: Orphanet 140162, MedGen C0027672, MeSH D009386, MONDO:0015356.
BAP1-related disorder. Also called: BAP1-related condition.
BAP1-related tumor predisposition syndrome (TPDS1). Also called: BAP1 tumor predisposition syndrome; Tumor susceptibility linked to germline BAP1 mutations; COMMON Syndrome; TUMOR PREDISPOSITION SYNDROME 1. Identifiers: Orphanet 289539, MedGen C3280492, MONDO:0013692, OMIM 614327.

Allele frequency attached by ClinVar (database versions not stated): gnomAD exomes below 0.00001.
gnomAD v4.1: 2 of 1,570,772 alleles (0.00013%); highest among the groups gnomAD compares: Non-Finnish European, 0.000086%; no homozygotes.

Submissions (7):

PreventionGenetics, part of Exact Sciences
Classification: Uncertain significance for BAP1-related condition. Last evaluated: 2026-03-11. Review status: criteria provided, single submitter. Criteria: ACMG Guidelines, 2015. Collection method: clinical testing. Allele origin: germline.
Comment: The BAP1 c.2098C>T variant is predicted to result in the amino acid substitution p.Arg700Trp. To our knowledge, this variant has not been reported in the literature or in gnomAD, indicating that this variant is rare. At this time, the clinical significance of this variant is uncertain due to the absence of conclusive functional and genetic evidence.

Quest Diagnostics Nichols Institute San Juan Capistrano
Classification: Uncertain significance. Last evaluated: 2025-07-16. Review status: criteria provided, single submitter. Criteria: Quest Diagnostics criteria. Collection method: clinical testing. Allele origin: unknown.
Comment: The BAP1 c.2098C>T (p.Arg700Trp) variant has not been reported in individuals with BAP1-related conditions in the published literature. It also has not been reported in large, multi-ethnic general populations (Genome Aggregation Database). Analysis of this variant using bioinformatics tools for the prediction of the effect of amino acid changes on protein structure and function yielded predictions that this variant is damaging. Based on the available information, we are unable to determine the clinical significance of this variant.

CeGaT Center for Human Genetics Tuebingen
Classification: Uncertain significance. Last evaluated: 2025-07-01. Review status: criteria provided, single submitter. Criteria: CeGaT Center For Human Genetics Tuebingen Variant Classification Criteria Version 2. Collection method: clinical testing. Allele origin: germline. Affected: yes. Observed: 1 variant allele.
Comment: BAP1: PP2

Ambry Genetics
Classification: Uncertain significance for Hereditary cancer-predisposing syndrome. Last evaluated: 2025-05-03. Review status: criteria provided, single submitter. Criteria: Ambry Variant Classification Scheme 2023. Collection method: clinical testing. Allele origin: germline.
Comment: The p.R700W variant (also known as c.2098C>T), located in coding exon 17 of the BAP1 gene, results from a C to T substitution at nucleotide position 2098. The arginine at codon 700 is replaced by tryptophan, an amino acid with dissimilar properties. This amino acid position is conserved. In addition, the in silico prediction for this alteration is inconclusive. Based on the available evidence, the clinical significance of this variant remains unclear.

GeneDx
Classification: Uncertain significance. Last evaluated: 2023-10-24. Review status: criteria provided, single submitter. Criteria: GeneDx Variant Classification Process June 2021. Collection method: clinical testing. Allele origin: germline. Affected: yes.
Comment: Not observed at significant frequency in large population cohorts (gnomAD); In silico analysis supports that this missense variant has a deleterious effect on protein structure/function; Has not been previously published as a germline pathogenic or benign variant to our knowledge; This variant is associated with the following publications: (PMID: 29872864)

Labcorp Genetics (formerly Invitae), Labcorp
Classification: Uncertain significance for BAP1-related tumor predisposition syndrome. Last evaluated: 2023-03-17. Review status: criteria provided, single submitter. Criteria: Invitae Variant Classification Sherloc (09022015). Collection method: clinical testing. Allele origin: germline.
Comment: This sequence change replaces arginine, which is basic and polar, with tryptophan, which is neutral and slightly polar, at codon 700 of the BAP1 protein (p.Arg700Trp). In summary, the available evidence is currently insufficient to determine the role of this variant in disease. Therefore, it has been classified as a Variant of Uncertain Significance. Advanced modeling of protein sequence and biophysical properties (such as structural, functional, and spatial information, amino acid conservation, physicochemical variation, residue mobility, and thermodynamic stability) has been performed at Invitae for this missense variant, however the output from this modeling did not meet the statistical confidence thresholds required to predict the impact of this variant on BAP1 protein function. This variant has not been reported in the literature in individuals affected with BAP1-related conditions. This variant is not present in population databases (gnomAD no frequency).

Color Diagnostics, LLC DBA Color Health
Classification: Uncertain significance for Hereditary cancer-predisposing syndrome. Last evaluated: 2022-08-08. Review status: criteria provided, single submitter. Criteria: ACMG Guidelines, 2015. Collection method: clinical testing. Allele origin: germline.
Comment: This missense variant replaces arginine with tryptophan at codon 700 of the BAP1 protein. Computational prediction suggests that this variant may not impact protein structure and function (internally defined REVEL score threshold <= 0.5, PMID: 27666373). To our knowledge, functional studies have not been reported for this variant. This variant has not been reported in individuals affected with hereditary cancer in the literature. This variant has not been identified in the general population by the Genome Aggregation Database (gnomAD). The available evidence is insufficient to determine the role of this variant in disease conclusively. Therefore, this variant is classified as a Variant of Uncertain Significance.